The following is an entry in ClinVar:

NM_001382508.1(DROSHA):c.3682del (p.Leu1228fs)

Gene: DROSHA (drosha ribonuclease III; minus strand). Cytogenetic location: 5p13.3.
Variant type: Deletion.
Coding change: c.3682del on transcript NM_001382508.1 (MANE Select); coding-DNA position 3682, one base deleted (C; older notation c.3682delC).
Protein change: p.Leu1228fs; shifts the reading frame from leucine 1228.
Molecular consequence: frameshift variant.
Genome position (GRCh38, 1-based): chr5:31,409,318, G deleted on the plus strand (C on the coding strand, the reverse complement: DROSHA is on the minus strand). VCF-style (leftmost placement, unchanged base first): chr5-31409317-AG-A. GRCh37 (hg19) VCF-style: chr5-31409424-AG-A.
Other names: c.3571del, p.Leu1191fs (NM_001100412.2); c.3682del, p.Leu1228fs (NM_013235.5); short protein forms L1191fs, L1228fs.
Identifiers: ClinVar variation 4759283 (VCV004759283.1).

ClinVar aggregate classification (germline): Uncertain significance (1 of 4 stars; one submission).

Conditions:
MicroRNA processor tumor predisposition syndrome.

Submission:

Institute for Genomic Medicine (IGM) Clinical Laboratory, Nationwide Children's Hospital
Classification: Uncertain significance for MicroRNA processor tumor predisposition syndrome. Last evaluated: 2024-01-21. Review status: criteria provided, single submitter. Criteria: ACMG Guidelines, 2015. Collection method: clinical testing. Allele origin: germline.
Comment: This variant is absent from or present at an exceedingly low frequency in gnomAD, a large-scale control population database (ACMG/AMP: PM2).